The following is an entry in ClinVar:

NM_022124.6(CDH23):c.6005T>C (p.Leu2002Pro)

Gene: CDH23 (cadherin related 23; plus strand). Cytogenetic location: 10q22.1.
Variant type: single nucleotide variant.
Coding change: c.6005T>C on transcript NM_022124.6 (MANE Select); coding-DNA position 6005, T replaced by C.
Protein change: p.Leu2002Pro; replaces leucine 2002 with proline.
Molecular consequence: missense variant.
Genome position (GRCh38, 1-based): chr10:71,790,369, T>C. VCF-style: chr10-71790369-T-C. GRCh37 (hg19) VCF-style: chr10-73550126-T-C.
Other names: c.6005T>C (NM_022124.5); short protein forms L2002P.
Identifiers: ClinVar variation 1063756 (VCV001063756.10), dbSNP rs778286293, ClinGen allele CA5545960.

ClinVar aggregate classification (germline): Uncertain significance. Review status: criteria provided, multiple submitters, no conflicts (2 of 4 stars). 2 submissions from 2 submitters: Uncertain significance (2). Last evaluated 2024-10-21.

Allele frequency attached by ClinVar (database versions not stated): gnomAD exomes below 0.00001; ExAC 0.00001.

Submissions (2):

GeneDx
Classification: Uncertain significance. Last evaluated: 2024-10-21. Review status: criteria provided, single submitter. Criteria: GeneDx Variant Classification Process June 2021. Collection method: clinical testing. Allele origin: germline. Affected: yes.
Comment: Not observed at significant frequency in large population cohorts (gnomAD); In silico analysis indicates that this missense variant does not alter protein structure/function; Has not been previously published as pathogenic or benign to our knowledge

Labcorp Genetics (formerly Invitae), Labcorp
Classification: Uncertain significance. Last evaluated: 2022-10-13. Review status: criteria provided, single submitter. Criteria: Invitae Variant Classification Sherloc (09022015). Collection method: clinical testing. Allele origin: germline.
Comment: In summary, the available evidence is currently insufficient to determine the role of this variant in disease. Therefore, it has been classified as a Variant of Uncertain Significance. Advanced modeling of protein sequence and biophysical properties (such as structural, functional, and spatial information, amino acid conservation, physicochemical variation, residue mobility, and thermodynamic stability) has been performed at Invitae for this missense variant, however the output from this modeling did not meet the statistical confidence thresholds required to predict the impact of this variant on CDH23 protein function. ClinVar contains an entry for this variant (Variation ID: 1063756). This variant has not been reported in the literature in individuals affected with CDH23-related conditions. This variant is not present in population databases (gnomAD no frequency). This sequence change replaces leucine, which is neutral and non-polar, with proline, which is neutral and non-polar, at codon 2002 of the CDH23 protein (p.Leu2002Pro).